The following is an entry in ClinVar:

NM_020937.4(FANCM):c.5034C>A (p.Asn1678Lys)

Gene: FANCM (FA complementation group M; plus strand). Cytogenetic location: 14q21.2.
Variant type: single nucleotide variant.
Coding change: c.5034C>A on transcript NM_020937.4 (MANE Select); coding-DNA position 5034, C replaced by A.
Protein change: p.Asn1678Lys; replaces asparagine 1678 with lysine.
Molecular consequence: missense variant.
Genome position (GRCh38, 1-based): chr14:45,189,056, C>A. VCF-style: chr14-45189056-C-A. GRCh37 (hg19) VCF-style: chr14-45658259-C-A.
Other names: c.4956C>A, p.Asn1652Lys (NM_001308133.2); short protein forms N1652K, N1678K.
Identifiers: ClinVar variation 1975241 (VCV001975241.5), dbSNP rs1768446172, ClinGen allele CA389612052.
Genomic context (GRCh38, chr14:45,189,056, plus strand): 5'-ACATTCAAAAAAGAAATTATCCAGAATTATTTTACCAGATGATTCAAGTGAGGAGGAGAA[C>A]AATGTAAATGATAAAAGAGAATCTAATATTGCGGTTAACCCAAGCACTGTTAAGAAGAAC-3'
Protein context (NP_065988.1, residues 1668-1688): ILPDDSSEEE[Asn1678Lys]NVNDKRESNI

ClinVar aggregate classification (germline): Uncertain significance (1 of 4 stars; one submission).

Conditions:
Fanconi anemia (FA). Also called: Fanconi's anemia. Identifiers: Orphanet 84, MedGen C0015625, MeSH D005199, MONDO:0019391.

Submission:

Labcorp Genetics (formerly Invitae), Labcorp
Classification: Uncertain significance for Fanconi anemia. Last evaluated: 2022-03-28. Review status: criteria provided, single submitter. Criteria: Invitae Variant Classification Sherloc (09022015). Collection method: clinical testing. Allele origin: germline.
Comment: This variant is not present in population databases (gnomAD no frequency). In summary, the available evidence is currently insufficient to determine the role of this variant in disease. Therefore, it has been classified as a Variant of Uncertain Significance. Algorithms developed to predict the effect of missense changes on protein structure and function output the following: SIFT: "Tolerated"; PolyPhen-2: "Benign"; Align-GVGD: "Class C0". The lysine amino acid residue is found in multiple mammalian species, which suggests that this missense change does not adversely affect protein function. This variant has not been reported in the literature in individuals affected with FANCM-related conditions. This sequence change replaces asparagine, which is neutral and polar, with lysine, which is basic and polar, at codon 1678 of the FANCM protein (p.Asn1678Lys).